The following is an entry in ClinVar:

ClinVar aggregate classification (germline): Uncertain significance. Review status: criteria provided, multiple submitters, no conflicts (2 of 4 stars). 2 submissions from 2 submitters: Uncertain significance (2). Last evaluated 2022-04-15.

Conditions:
Autosomal recessive limb-girdle muscular dystrophy type 2L (LGMDR12). Also called: MUSCULAR DYSTROPHY, LIMB-GIRDLE, AUTOSOMAL RECESSIVE 12; Limb-Girdle Muscular Dystrophy R12 Anoctamin-5-Related (LGMD-R12); Limb-girdle muscular dystrophy, type 2L. Identifiers: Orphanet 206549, MedGen C1969785, MONDO:0012652, OMIM 611307.
Gnathodiaphyseal dysplasia (GDD). Also called: GNATHODIAPHYSEAL SCLEROSIS; OSTEOGENESIS IMPERFECTA WITH UNUSUAL SKELETAL LESIONS. Identifiers: Orphanet 53697, MedGen C1833736, MONDO:0008151, OMIM 166260.

Allele frequency attached by ClinVar (database versions not stated): gnomAD exomes below 0.00001 and 0.00001.
gnomAD v4.1: 11 of 1,614,110 alleles (0.00068%); highest among the groups gnomAD compares: South Asian, 0.0099%; no homozygotes.

Submissions (2):

Labcorp Genetics (formerly Invitae), Labcorp
Classification: Uncertain significance for Autosomal recessive limb-girdle muscular dystrophy type 2L; Gnathodiaphyseal dysplasia. Last evaluated: 2022-04-15. Review status: criteria provided, single submitter. Criteria: Invitae Variant Classification Sherloc (09022015). Collection method: clinical testing. Allele origin: germline.
Comment: This variant has not been reported in the literature in individuals affected with ANO5-related conditions. This sequence change replaces isoleucine, which is neutral and non-polar, with valine, which is neutral and non-polar, at codon 512 of the ANO5 protein (p.Ile512Val). This variant is present in population databases (no rsID available, gnomAD 0.003%). ClinVar contains an entry for this variant (Variation ID: 1007980). Advanced modeling of protein sequence and biophysical properties (such as structural, functional, and spatial information, amino acid conservation, physicochemical variation, residue mobility, and thermodynamic stability) performed at Invitae indicates that this missense variant is not expected to disrupt ANO5 protein function. Algorithms developed to predict the effect of sequence changes on RNA splicing suggest that this variant may disrupt the consensus splice site. In summary, the available evidence is currently insufficient to determine the role of this variant in disease. Therefore, it has been classified as a Variant of Uncertain Significance.

Revvity Omics, Revvity
Classification: Uncertain significance. Last evaluated: 2020-02-20. Review status: criteria provided, single submitter. Criteria: ACMG Guidelines, 2015. Collection method: clinical testing. Allele origin: germline.

NM_213599.3(ANO5):c.1534A>G (p.Ile512Val)

Gene: ANO5 (anoctamin 5; plus strand). Cytogenetic location: 11p14.3.
Variant type: single nucleotide variant.
Coding change: c.1534A>G on transcript NM_213599.3 (MANE Select); coding-DNA position 1534, A replaced by G.
Protein change: p.Ile512Val; replaces isoleucine 512 with valine.
Molecular consequence: missense variant.
Genome position (GRCh38, 1-based): chr11:22,259,645, A>G. VCF-style: chr11-22259645-A-G. GRCh37 (hg19) VCF-style: chr11-22281191-A-G.
Other names: c.1531A>G, p.Ile511Val (NM_001142649.2); c.1534A>G (NM_213599.2); short protein forms I511V, I512V.
Identifiers: ClinVar variation 1007980 (VCV001007980.8), dbSNP rs1354557357, ClinGen allele CA379922243.